The following is an entry in ClinVar:

NM_003482.4(KMT2D):c.6673dup (p.Glu2225fs)

Gene: KMT2D (lysine methyltransferase 2D; minus strand). Cytogenetic location: 12q13.12.
Variant type: Duplication.
Coding change: c.6673dup on transcript NM_003482.4 (MANE Select); coding-DNA position 6673, one base duplicated (G; older notation c.6673dupG).
Protein change: p.Glu2225fs; shifts the reading frame from glutamic acid 2225.
Molecular consequence: frameshift variant.
Genome position (GRCh38, 1-based): chr12:49,041,097, C duplicated on the plus strand (G on the coding strand, the reverse complement: KMT2D is on the minus strand); the first of 4 consecutive C bases (chr12:49,041,097-49,041,100); duplicating any one gives the same sequence. VCF-style (leftmost placement, unchanged base first): chr12-49041096-T-TC. GRCh37 (hg19) VCF-style: chr12-49434879-T-TC.
Other names: c.6673dupG (NM_003482.3); short protein forms E2225fs.
Identifiers: ClinVar variation 463020 (VCV000463020.6), dbSNP rs1555192667, ClinGen allele CA658658144.

ClinVar aggregate classification (germline): Pathogenic (1 of 4 stars; one submission).

Conditions:
Kabuki syndrome. Also called: Kabuki make-up syndrome; NIIKAWA-KUROKI SYNDROME. Identifiers: Orphanet 2322, MedGen C0796004, MONDO:0016512.

Submission:

Labcorp Genetics (formerly Invitae), Labcorp
Classification: Pathogenic for Kabuki syndrome. Last evaluated: 2017-02-21. Review status: criteria provided, single submitter. Criteria: Invitae Variant Classification Sherloc (09022015). Collection method: clinical testing. Allele origin: germline.
Comment: For these reasons, this variant has been classified as Pathogenic. While this particular variant has not been reported in the literature, loss-of-function variants in KMT2D are known to be pathogenic (PMID: 24633898, 22126750). This sequence change inserts 1 nucleotide in exon 31 of the KMT2D mRNA (c.6673dupG), causing a frameshift at codon 2225. This creates a premature translational stop signal (p.Glu2225Glyfs*18) and is expected to result in an absent or disrupted protein product.

Literature cited by the submitters: PubMed 24633898; PubMed 22126750.